The following is an entry in ClinVar:

ClinVar aggregate classification (germline): Uncertain significance (1 of 4 stars; one submission).

Conditions:
Cardiomyopathy, familial hypertrophic, 28. Identifiers: MedGen C5543616, MONDO:0030317, OMIM 619402.

Submission:

Victorian Clinical Genetics Services, Murdoch Childrens Research Institute
Classification: Uncertain significance for Cardiomyopathy, familial hypertrophic, 28. Last evaluated: 2025-04-28. Review status: criteria provided, single submitter. Criteria: ACMG Guidelines, 2015. Collection method: clinical testing. Allele origin: germline. Affected: yes.
Comment: This variant is classified as VUS-3C. Evidence in support of pathogenic classification: Variant is absent from gnomAD (v2, v3 and v4). Evidence in support of benign classification: Missense variant predicted to be tolerated by in silico tool(s) or not conserved in placental mammals with a minor amino acid change. Additional information: Variant is predicted to result in a missense amino acid change from glutamic acid to aspartic acid; This variant is heterozygous; This gene is associated with autosomal dominant disease; This variant has no previous evidence of pathogenicity; No published segregation evidence has been identified for this variant; No published functional evidence has been identified for this variant; No comparable missense variants have previous evidence for pathogenicity; Variant is not located in an established domain, motif, hotspot or informative constraint region; The mechanism of disease for this gene is not clearly established. However, dominant negative is a suggested mechanism (PMID: 24088304, 35205353); The condition associated with this gene has incomplete penetrance (PMID: 30442288); Inheritance information for this variant is not currently available in this individual.

Literature cited by the submitters: PubMed 24088304; PubMed 35205353; PubMed 30442288.

NM_001281740.3(FHOD3):c.2673G>C (p.Glu891Asp)

Gene: FHOD3 (formin homology 2 domain containing 3; plus strand). Cytogenetic location: 18q12.2.
Variant type: single nucleotide variant.
Coding change: c.2673G>C on transcript NM_001281740.3 (MANE Select); coding-DNA position 2673, G replaced by C.
Protein change: p.Glu891Asp; replaces glutamic acid 891 with aspartic acid.
Molecular consequence: missense variant.
Genome position (GRCh38, 1-based): chr18:36,717,971, G>C. VCF-style: chr18-36717971-G-C. GRCh37 (hg19) VCF-style: chr18-34297934-G-C.
Other names: c.2097G>C, p.Glu699Asp (NM_001281739.3); c.2148G>C, p.Glu716Asp (NM_025135.5); short protein forms E699D, E716D, E891D.
Identifiers: ClinVar variation 4531691 (VCV004531691.1).